The following is an entry in ClinVar:

NM_000059.4(BRCA2):c.5711T>A (p.Leu1904His)

Gene: BRCA2 (BRCA2 DNA repair associated; plus strand). Cytogenetic location: 13q13.1.
Variant type: single nucleotide variant.
Coding change: c.5711T>A on transcript NM_000059.4 (MANE Select); coding-DNA position 5711, T replaced by A.
Protein change: p.Leu1904His; replaces leucine 1904 with histidine.
Molecular consequence: missense variant.
Genome position (GRCh38, 1-based): chr13:32,340,066, T>A. VCF-style: chr13-32340066-T-A. GRCh37 (hg19) VCF-style: chr13-32914203-T-A.
Other names: short protein forms L1904H.
Identifiers: ClinVar variation 230305 (VCV000230305.33), dbSNP rs876658494, ClinGen allele CA10577477.

ClinVar aggregate classification (germline): Conflicting classifications of pathogenicity. Review status: criteria provided, conflicting classifications (1 of 4 stars). 11 submissions from 11 submitters: Uncertain significance (8); Likely benign (1). 2 of the submissions do not count toward it. Last evaluated 2026-07-25.

Conditions:
BRCA2-related disorder. Also called: BRCA2-related condition; BRCA2-related disorders. Identifiers: MedGen CN239275.
Hereditary cancer-predisposing syndrome. Also called: Neoplastic Syndromes, Hereditary; Tumor predisposition; Hereditary Cancer Syndrome; Hereditary neoplastic syndrome. Identifiers: Orphanet 140162, MedGen C0027672, MeSH D009386, MONDO:0015356.
Hereditary breast ovarian cancer syndrome. Also called: Hereditary breast and ovarian cancer; Hereditary breast and ovarian cancer syndrome (HBOC); Breast and ovarian cancer; BRCA1- and BRCA2-Associated Hereditary Breast and Ovarian Cancer; Hereditary breast and/or ovarian cancer syndrome; Hereditary breast and ovarian cancer syndrome. Identifiers: Orphanet 145, MedGen C0677776, MeSH D061325, MONDO:0003582. Disease mechanism: loss of function.
Breast-ovarian cancer, familial, susceptibility to, 2 (BROVCA2). Also called: BRCA2 Hereditary Breast and Ovarian Cancer. Identifiers: Orphanet 145, MedGen C2675520, MONDO:0012933, OMIM 612555. Disease mechanism: loss of function.

Allele frequency attached by ClinVar (database versions not stated): gnomAD exomes below 0.00001.
gnomAD v4.1: 3 of 1,613,818 alleles (0.00019%); highest among the groups gnomAD compares: East Asian, 0.0022%; no homozygotes.

Submissions (11):

PreventionGenetics, part of Exact Sciences
Classification: Uncertain significance for BRCA2-related condition. Last evaluated: 2026-07-25. Review status: criteria provided, single submitter. Criteria: ACMG Guidelines, 2015. Collection method: clinical testing. Allele origin: germline.
Comment: The BRCA2 c.5711T>A variant is predicted to result in the amino acid substitution p.Leu1904His. To our knowledge, this variant has not been reported in the literature in individuals affected with BRCA2-related conditions or in a large population database (gnomAD), indicating this variant is rare. This variant has conflicting classifications listed in ClinVar ranging from likely benign to uncertain (Variation ID: 230305). At this time, the clinical significance of this variant is uncertain due to the absence of conclusive functional and genetic evidence.

Labcorp Genetics (formerly Invitae), Labcorp
Classification: Uncertain significance for Hereditary breast ovarian cancer syndrome. Last evaluated: 2025-09-14. Review status: criteria provided, single submitter. Criteria: Invitae Variant Classification Sherloc (09022015). Collection method: clinical testing. Allele origin: germline.
Comment: This sequence change replaces leucine, which is neutral and non-polar, with histidine, which is basic and polar, at codon 1904 of the BRCA2 protein (p.Leu1904His). This variant is not present in population databases (gnomAD no frequency). This missense change has been observed in individual(s) with breast cancer (PMID: 31837001). ClinVar contains an entry for this variant (Variation ID: 230305). Invitae Evidence Modeling of protein sequence and biophysical properties (such as structural, functional, and spatial information, amino acid conservation, physicochemical variation, residue mobility, and thermodynamic stability) indicates that this missense variant is not expected to disrupt BRCA2 protein function with a negative predictive value of 95%. In summary, the available evidence is currently insufficient to determine the role of this variant in disease. Therefore, it has been classified as a Variant of Uncertain Significance.

Ambry Genetics
Classification: Uncertain significance for Hereditary cancer-predisposing syndrome. Last evaluated: 2025-06-19. Review status: criteria provided, single submitter. Criteria: Ambry Variant Classification Scheme 2023. Collection method: clinical testing. Allele origin: germline.
Comment: The p.L1904H variant (also known as c.5711T>A), located in coding exon 10 of the BRCA2 gene, results from a T to A substitution at nucleotide position 5711. The leucine at codon 1904 is replaced by histidine, an amino acid with similar properties. This amino acid position is poorly conserved in available vertebrate species. In addition, this alteration is predicted to be tolerated by in silico analysis. Since supporting evidence is limited at this time, the clinical significance of this alteration remains unclear.

GeneDx
Classification: Uncertain significance. Last evaluated: 2024-12-19. Review status: criteria provided, single submitter. Criteria: GeneDx Variant Classification Process June 2021. Collection method: clinical testing. Allele origin: germline. Affected: yes.
Comment: Not observed at significant frequency in large population cohorts (gnomAD); In silico analysis supports that this missense variant has a deleterious effect on protein structure/function; Has not been previously published as pathogenic or benign to our knowledge; Also known as 5939T>A

Women's Health and Genetics/Laboratory Corporation of America, LabCorp
Classification: Uncertain significance. Last evaluated: 2024-11-12. Review status: criteria provided, single submitter. Criteria: LabCorp Variant Classification Summary - May 2015. Collection method: clinical testing. Allele origin: germline.
Comment: Variant summary: BRCA2 c.5711T>A (p.Leu1904His) results in a non-conservative amino acid change in the encoded protein sequence. Four of five in-silico tools predict a benign effect of the variant on protein function. The variant was absent in 250772 control chromosomes. The available data on variant occurrences in the general population are insufficient to allow any conclusion about variant significance. c.5711T>A has been reported in the literature in at least one individual affected with breast cancer (Guo_2020). These report(s) do not provide unequivocal conclusions about association of the variant with Hereditary Breast And Ovarian Cancer Syndrome. To our knowledge, no experimental evidence demonstrating an impact on protein function has been reported. The following publication have been ascertained in the context of this evaluation (PMID: 31837001). ClinVar contains an entry for this variant (Variation ID: 230305). Based on the evidence outlined above, the variant was classified as uncertain significance.

Color Diagnostics, LLC DBA Color Health
Classification: Uncertain significance for Hereditary cancer-predisposing syndrome. Last evaluated: 2024-04-23. Review status: criteria provided, single submitter. Criteria: ACMG Guidelines, 2015. Collection method: clinical testing. Allele origin: germline.
Comment: This missense variant replaces leucine with histidine at codon 1904 of the BRCA2 protein. Computational prediction suggests that this variant may not impact protein structure and function. To our knowledge, functional studies have not been reported for this variant. This variant has not been reported in individuals affected with BRCA2-related disorders in the literature. This variant has not been identified in the general population by the Genome Aggregation Database (gnomAD). The available evidence is insufficient to determine the role of this variant in disease conclusively. Therefore, this variant is classified as a Variant of Uncertain Significance.

Quest Diagnostics Nichols Institute San Juan Capistrano
Classification: Uncertain significance. Last evaluated: 2023-11-08. Review status: criteria provided, single submitter. Criteria: Quest Diagnostics criteria. Collection method: clinical testing. Allele origin: unknown.
Comment: The BRCA2 c.5711T>A (p.Leu1904His) variant has been reported in the published literature in an unaffected individual (PMID: 32467295 (2020)) and described to be located in a region of the BRCA2 gene that is tolerant to missense sequence changes (PMID: 31911673 (2020)). This variant has not been reported in large, multi-ethnic general populations (Genome Aggregation Database). Analysis of this variant using bioinformatics tools for the prediction of the effect of amino acid changes on protein structure and function yielded predictions that this variant is benign. Based on the available information, we are unable to determine the clinical significance of this variant.

KCCC/NGS Laboratory, Kuwait Cancer Control Center
Classification: Uncertain significance for Breast-ovarian cancer, familial, susceptibility to, 2. Last evaluated: 2023-10-24. Review status: criteria provided, single submitter. Criteria: ACMG Guidelines, 2015. Collection method: clinical testing. Allele origin: germline. Inheritance: Autosomal dominant inheritance. Affected: yes. Observed: 1 heterozygote.
Comment: This sequence change replaces leucine, which is neutral and non-polar, with histidine, which is basic and polar, at codon 1904 of the BRCA2 protein (p.Leu1904His). This variant is not present in population databases (gnomAD no frequency). This variant has not been reported in the literature in individuals affected with BRCA2-related conditions. ClinVar contains an entry for this variant (Variation ID: 230305).This amino acid position is poorly conserved (PhyloP=-0.33). In addition, this alteration is predicted to be tolerated by in silico analysis . In summary, the available evidence is currently insufficient to determine the role of this variant in disease. Therefore, it has been classified as a Variant of Uncertain Significance.

University of Washington Department of Laboratory Medicine, University of Washington
Classification: Likely benign for Hereditary cancer-predisposing syndrome. Last evaluated: 2023-03-23. Review status: criteria provided, single submitter. Criteria: Dines et al. (Genet Med. 2020). Collection method: curation. Allele origin: germline.
Comment: Missense variant in a coldspot region where missense variants are very unlikely to be pathogenic (PMID:31911673).

BRCA2 exon 11 coldspot. Reclassification based on statistical prior probability.

Counsyl
Classification: Uncertain significance for Breast-ovarian cancer, familial, susceptibility to, 2. Last evaluated: 2018-05-02. Review status: no assertion criteria provided. Collection method: clinical testing. Allele origin: unknown. Not counted in ClinVar's aggregate classification.

Department of Pathology and Laboratory Medicine, Sinai Health System
Classification: Uncertain significance. Review status: no assertion criteria provided. Collection method: clinical testing. Allele origin: unknown. Affected: yes. Study: The Canadian Open Genetics Repository (COGR). Not counted in ClinVar's aggregate classification.
Comment: The BRCA2 p.Leu1904His variant was not identified in the literature, nor was it identified in the dbSNP, NHLBI Exome Sequencing Project (EVS Server), HGMD, LOVD, COSMIC, or BIC databases. This residue is not conserved across mammals and lower organisms, and computational analyses (PolyPhen-2, SIFT, AlignGVGD, BLOSUM) provide inconsistent predictions regarding the impact to the protein; this information is not very predictive of pathogenicity. In summary, based on the above information, the clinical significance of this variant cannot be determined with certainty at this time. This variant is classified as a variant of unknown significance.

Literature cited by the submitters: PubMed 31837001 (cited by Labcorp Genetics (formerly Invitae), Labcorp and Women's Health and Genetics/Laboratory Corporation of America, LabCorp); PubMed 32467295 (cited by Quest Diagnostics Nichols Institute San Juan Capistrano); PubMed 31911673 (cited by Quest Diagnostics Nichols Institute San Juan Capistrano).